The following is an entry in ClinVar:

NM_000548.5(TSC2):c.1213G>A (p.Glu405Lys)

Gene: TSC2 (TSC complex subunit 2; plus strand). Cytogenetic location: 16p13.3.
Variant type: single nucleotide variant.
Coding change: c.1213G>A on transcript NM_000548.5 (MANE Select); coding-DNA position 1213, G replaced by A.
Protein change: p.Glu405Lys; replaces glutamic acid 405 with lysine.
Molecular consequence: missense variant. On other transcripts: 5 prime UTR variant (10), non-coding transcript variant (5).
Genome position (GRCh38, 1-based): chr16:2,061,964, G>A. VCF-style: chr16-2061964-G-A. GRCh37 (hg19) VCF-style: chr16-2111965-G-A.
Other names: c.1066G>A, p.Glu356Lys (NM_001406676.1, NM_001406679.1, NM_001318829.2 and 1 more transcripts); c.1156G>A, p.Glu386Lys (NM_001406677.1); c.1102G>A, p.Glu368Lys (NM_001406678.1, NM_001318827.2, NM_001406670.1); c.613G>A, p.Glu205Lys (NM_001406680.1, NM_001406682.1, NM_001406683.1 and 6 more transcripts); c.751G>A, p.Glu251Lys (NM_001406681.1); c.1213G>A, p.Glu405Lys (NM_001077183.3, NM_001114382.3, NM_001363528.2 and 6 more transcripts); c.1246G>A, p.Glu416Lys (NM_001318832.2); c.1303G>A, p.Glu435Lys (NM_001406667.1, NM_001406668.1); and 4 more; short protein forms E205K, E356K, E386K, E401K, E251K, E405K, E416K, E368K.
Identifiers: ClinVar variation 2912555 (VCV002912555.4), dbSNP rs765622787, ClinGen allele CA394321028.

ClinVar aggregate classification (germline): Uncertain significance. Review status: criteria provided, multiple submitters, no conflicts (2 of 4 stars). 2 submissions from 2 submitters: Uncertain significance (2). Last evaluated 2024-06-14.

Conditions:
Hereditary cancer-predisposing syndrome. Also called: Neoplastic Syndromes, Hereditary; Tumor predisposition; Hereditary neoplastic syndrome; Hereditary Cancer Syndrome. Identifiers: Orphanet 140162, MedGen C0027672, MeSH D009386, MONDO:0015356.
Tuberous sclerosis 2 (TSC2). Identifiers: Orphanet 805, MedGen C1860707, MONDO:0013199, OMIM 613254.

gnomAD v4.1: 1 of 1,614,198 alleles (0.000062%); no homozygotes.

Submissions (2):

Ambry Genetics
Classification: Uncertain significance for Hereditary cancer-predisposing syndrome. Last evaluated: 2024-06-14. Review status: criteria provided, single submitter. Criteria: Ambry Variant Classification Scheme 2023. Collection method: clinical testing. Allele origin: germline.
Comment: The p.E405K variant (also known as c.1213G>A), located in coding exon 11 of the TSC2 gene, results from a G to A substitution at nucleotide position 1213. The glutamic acid at codon 405 is replaced by lysine, an amino acid with similar properties. This amino acid position is well conserved in available vertebrate species. In addition, the in silico prediction for this alteration is inconclusive. Based on the available evidence, the clinical significance of this variant remains unclear.

Labcorp Genetics (formerly Invitae), Labcorp
Classification: Uncertain significance for Tuberous sclerosis 2. Last evaluated: 2022-11-06. Review status: criteria provided, single submitter. Criteria: Invitae Variant Classification Sherloc (09022015). Collection method: clinical testing. Allele origin: germline.
Comment: In summary, the available evidence is currently insufficient to determine the role of this variant in disease. Therefore, it has been classified as a Variant of Uncertain Significance. Advanced modeling of protein sequence and biophysical properties (such as structural, functional, and spatial information, amino acid conservation, physicochemical variation, residue mobility, and thermodynamic stability) performed at Invitae indicates that this missense variant is not expected to disrupt TSC2 protein function. This variant has not been reported in the literature in individuals affected with TSC2-related conditions. This variant is not present in population databases (gnomAD no frequency). This sequence change replaces glutamic acid, which is acidic and polar, with lysine, which is basic and polar, at codon 405 of the TSC2 protein (p.Glu405Lys).